The following is an entry in ClinVar:

ClinVar aggregate classification (germline): Benign (3 of 4 stars; one submission).

Conditions:
Breast-ovarian cancer, familial, susceptibility to, 2 (BROVCA2). Also called: BRCA2 Hereditary Breast and Ovarian Cancer. Identifiers: Orphanet 145, MedGen C2675520, MONDO:0012933, OMIM 612555. Disease mechanism: loss of function.

Allele frequency attached by ClinVar (database versions not stated): 1000 Genomes Project 30x 0.50765; TOPMed 0.51003; 1000 Genomes Project 0.51098; gnomAD 0.51805 and 0.51818.
gnomAD v4.1: 78,570 of 151,894 alleles (52%); highest among the groups gnomAD compares: East Asian, 57%; 20,406 homozygotes.

Submission:

Evidence-based Network for the Interpretation of Germline Mutant Alleles (ENIGMA)
Classification: Benign for Breast-ovarian cancer, familial 2. Last evaluated: 2015-01-12. Review status: reviewed by expert panel. Criteria: ENIGMA BRCA1/2 Classification Criteria (2015). Collection method: curation. Allele origin: germline.
Comment: Class 1 not pathogenic based on frequency >1% in an outbred sampleset. Frequency 0.549 (Asian), 0.502 (African), 0.5383 (European), derived from 1000 genomes (2012-04-30).

NM_000059.4(BRCA2):c.9256+1115C>T

Gene: BRCA2 (BRCA2 DNA repair associated; plus strand). Cytogenetic location: 13q13.1.
Variant type: single nucleotide variant.
Coding change: c.9256+1115C>T on transcript NM_000059.4 (MANE Select); 1115 bases into the intron after coding-DNA position 9256, C replaced by T.
Molecular consequence: intron variant.
Genome position (GRCh38, 1-based): chr13:32,381,260, C>T. VCF-style: chr13-32381260-C-T. GRCh37 (hg19) VCF-style: chr13-32955397-C-T.
Other names: IVS 24+1115C>T.
Identifiers: ClinVar variation 209951 (VCV000209951.1), dbSNP rs9534342, ClinGen allele CA276918.